The following is an entry in ClinVar:

NM_152703.5(SAMD9L):c.3671C>T (p.Ser1224Phe)

Gene: SAMD9L (sterile alpha motif domain containing 9 like; minus strand). Cytogenetic location: 7q21.2.
Variant type: single nucleotide variant.
Coding change: c.3671C>T on transcript NM_152703.5 (MANE Select); coding-DNA position 3671, C replaced by T.
Protein change: p.Ser1224Phe; replaces serine 1224 with phenylalanine.
Molecular consequence: missense variant.
Genome position (GRCh38, 1-based): chr7:93,132,301, G>A on the plus strand (C>T on the coding strand, the complement: SAMD9L is on the minus strand). VCF-style: chr7-93132301-G-A. GRCh37 (hg19) VCF-style: chr7-92761614-G-A.
Other names: c.3671C>T, p.Ser1224Phe (NM_001303496.3, NM_001303497.3, NM_001303498.3 and 5 more transcripts); short protein forms S1224F.
Identifiers: ClinVar variation 4159443 (VCV004159443.1).

ClinVar aggregate classification (germline): Uncertain significance (1 of 4 stars; one submission).

Conditions:
Inborn genetic diseases. Identifiers: MedGen C0950123, MeSH D030342.

gnomAD v4.1: 1 of 1,613,678 alleles (0.000062%); highest among the groups gnomAD compares: Non-Finnish European, 0.000085%; no homozygotes.

Submission:

Ambry Genetics
Classification: Uncertain significance for Inborn genetic diseases. Last evaluated: 2025-08-25. Review status: criteria provided, single submitter. Criteria: Ambry Variant Classification Scheme 2023. Collection method: clinical testing. Allele origin: germline.
Comment: The p.S1224F variant (also known as c.3671C>T), located in coding exon 1 of the SAMD9L gene, results from a C to T substitution at nucleotide position 3671. The serine at codon 1224 is replaced by phenylalanine, an amino acid with highly dissimilar properties. This amino acid position is conserved. In addition, this alteration is predicted to be tolerated by in silico analysis. Based on the available evidence, the clinical significance of this variant remains unclear.